The following is an entry in ClinVar:

NM_006648.4(WNK2):c.4219C>G (p.Pro1407Ala)

Gene: WNK2 (WNK lysine deficient protein kinase 2; plus strand). Cytogenetic location: 9q22.31.
Variant type: single nucleotide variant.
Coding change: c.4219C>G on transcript NM_006648.4 (MANE Select); coding-DNA position 4219, C replaced by G.
Protein change: p.Pro1407Ala; replaces proline 1407 with alanine.
Molecular consequence: missense variant.
Genome position (GRCh38, 1-based): chr9:93,288,973, C>G. VCF-style: chr9-93288973-C-G. GRCh37 (hg19) VCF-style: chr9-96051255-C-G.
Other names: c.4330C>G, p.Pro1444Ala (NM_001282394.3); short protein forms P1407A, P1444A.
Identifiers: ClinVar variation 3816715 (VCV003816715.1).

ClinVar aggregate classification (germline): Uncertain significance (1 of 4 stars; one submission).

gnomAD v4.1: 34 of 1,602,918 alleles (0.0021%); highest among the groups gnomAD compares: East Asian, 0.074%; no homozygotes.

Submission:

Ambry Genetics
Classification: Uncertain significance. Last evaluated: 2025-01-03. Review status: criteria provided, single submitter. Criteria: Ambry Variant Classification Scheme 2023. Collection method: clinical testing. Allele origin: germline.
Comment: The p.P1407A variant (also known as c.4219C>G), located in coding exon 19 of the WNK2 gene, results from a C to G substitution at nucleotide position 4219. The proline at codon 1407 is replaced by alanine, an amino acid with highly similar properties. This amino acid position is conserved. In addition, this alteration is predicted to be tolerated by in silico analysis. Based on the available evidence, the clinical significance of this variant remains unclear.